The following is an entry in ClinVar:

ClinVar aggregate classification (germline): Uncertain significance (1 of 4 stars; one submission).

Conditions:
Fanconi anemia (FA). Also called: Fanconi's anemia. Identifiers: Orphanet 84, MedGen C0015625, MeSH D005199, MONDO:0019391.

Submission:

Labcorp Genetics (formerly Invitae), Labcorp
Classification: Uncertain significance for Fanconi anemia. Last evaluated: 2024-10-23. Review status: criteria provided, single submitter. Criteria: Invitae Variant Classification Sherloc (09022015). Collection method: clinical testing. Allele origin: germline.
Comment: This sequence change replaces serine, which is neutral and polar, with asparagine, which is neutral and polar, at codon 341 of the FANCD2 protein (p.Ser341Asn). This variant is present in population databases (no rsID available, gnomAD 0.004%). This variant has not been reported in the literature in individuals affected with FANCD2-related conditions. Invitae Evidence Modeling of protein sequence and biophysical properties (such as structural, functional, and spatial information, amino acid conservation, physicochemical variation, residue mobility, and thermodynamic stability) indicates that this missense variant is not expected to disrupt FANCD2 protein function with a negative predictive value of 80%. In summary, the available evidence is currently insufficient to determine the role of this variant in disease. Therefore, it has been classified as a Variant of Uncertain Significance.

NM_001018115.3(FANCD2):c.1022G>A (p.Ser341Asn)

Genes: FANCD2 (FA complementation group D2; plus strand), LOC107303338 (3p25 FANCD2 Alu-mediated recombination region; plus strand). Cytogenetic location: 3p25.3.
Variant type: single nucleotide variant.
Coding change: c.1022G>A on transcript NM_001018115.3 (MANE Select); coding-DNA position 1022, G replaced by A.
Protein change: p.Ser341Asn; replaces serine 341 with asparagine.
Molecular consequence: missense variant.
Genome position (GRCh38, 1-based): chr3:10,043,516, G>A. VCF-style: chr3-10043516-G-A. GRCh37 (hg19) VCF-style: chr3-10085200-G-A.
Other names: c.1022G>A, p.Ser341Asn (NM_001319984.2, NM_001374253.1, NM_001374254.1 and 1 more transcripts); short protein forms S341N.
Identifiers: ClinVar variation 3714596 (VCV003714596.1).